The following is an entry in ClinVar:

NM_003000.3(SDHB):c.501G>A (p.Lys167=)

Gene: SDHB (succinate dehydrogenase complex iron sulfur subunit B; minus strand). Cytogenetic location: 1p36.13.
Variant type: single nucleotide variant.
Coding change: c.501G>A on transcript NM_003000.3 (MANE Select); coding-DNA position 501, G replaced by A.
Protein change: p.Lys167=; no amino-acid change (lysine 167 retained).
Molecular consequence: synonymous variant.
Genome position (GRCh38, 1-based): chr1:17,027,788, C>T on the plus strand (G>A on the coding strand, the complement: SDHB is on the minus strand). VCF-style: chr1-17027788-C-T. GRCh37 (hg19) VCF-style: chr1-17354283-C-T.
Identifiers: ClinVar variation 758290 (VCV000758290.8), dbSNP rs1570947881, ClinGen allele CA416085892.

ClinVar aggregate classification (germline): Benign/Likely benign. Review status: criteria provided, multiple submitters, no conflicts (2 of 4 stars). 2 submissions from 2 submitters: Benign (1); Likely benign (1). Last evaluated 2025-03-13.

Conditions:
Gastrointestinal stromal tumor. Also called: Gastrointestinal stromal tumor, somatic; Gastrointestinal stroma tumor. Identifiers: Orphanet 44890, MedGen C0238198, MeSH D046152, MONDO:0011719, OMIM 606764, HP:0100723.
Pheochromocytoma/paraganglioma syndrome 4. Also called: SDHB-Related Hereditary Paraganglioma-Pheochromocytoma Syndrome (Paragangliomas 4); SDHB-Related Hereditary Paraganglioma-Pheochromocytoma Syndrome; CAROTID BODY TUMORS AND MULTIPLE EXTRAADRENAL PHEOCHROMOCYTOMAS; PARAGANGLIOMA, FAMILIAL MALIGNANT; PARAGANGLIOMAS, HEREDITARY EXTRAADRENAL; PHEOCHROMOCYTOMA, FAMILIAL EXTRAADRENAL. Identifiers: Orphanet 29072, MedGen C1861848, MONDO:0007273, OMIM 115310.
Pheochromocytoma. Also called: MAX-Related Hereditary Paraganglioma-Pheochromocytoma Syndrome. Identifiers: Orphanet 29072, MedGen C0031511, MONDO:0008233, OMIM 171300, HP:0002666.

gnomAD v4.1: 1 of 1,612,664 alleles (0.000062%); highest among the groups gnomAD compares: Non-Finnish European, 0.000085%; no homozygotes.

Submissions (2):

Myriad Genetics, Inc.
Classification: Benign for Pheochromocytoma/paraganglioma syndrome 4. Last evaluated: 2025-03-13. Review status: criteria provided, single submitter. Criteria: Myriad Autosomal Dominant, Autosomal Recessive and X-Linked Classification Criteria (2023). Collection method: clinical testing. Allele origin: unknown.
Comment: This variant is considered benign. This variant is a silent/synonymous amino acid change and it is not expected to impact splicing.

Labcorp Genetics (formerly Invitae), Labcorp
Classification: Likely benign for Gastrointestinal stromal tumor; Pheochromocytoma/paraganglioma syndrome 4; Pheochromocytoma. Last evaluated: 2024-05-06. Review status: criteria provided, single submitter. Criteria: Invitae Variant Classification Sherloc (09022015). Collection method: clinical testing. Allele origin: germline.